The following is an entry in ClinVar:

ClinVar aggregate classification (germline): Likely benign. Review status: criteria provided, single submitter (1 of 4 stars). 2 submissions from 2 submitters: Likely benign (1). 1 of the submissions does not count toward it. Last evaluated 2025-06-27.

Conditions:
KMT2E-related disorder. Also called: KMT2E-related condition.

Allele frequency attached by ClinVar (database versions not stated): ExAC 0.00001; gnomAD 0.00001; gnomAD exomes 0.00002; TOPMed 0.00007.
gnomAD v4.1: 26 of 1,612,998 alleles (0.0016%); highest among the groups gnomAD compares: East Asian, 0.047%; no homozygotes.

Submissions (2):

Labcorp Genetics (formerly Invitae), Labcorp
Classification: Likely benign. Last evaluated: 2025-06-27. Review status: criteria provided, single submitter. Criteria: Invitae Variant Classification Sherloc (09022015). Collection method: clinical testing. Allele origin: germline.

PreventionGenetics, part of Exact Sciences
Classification: Likely benign for KMT2E-related condition. Last evaluated: 2019-08-09. Review status: no assertion criteria provided. Collection method: clinical testing. Allele origin: germline. Not counted in ClinVar's aggregate classification.
Comment: This variant is classified as likely benign based on ACMG/AMP sequence variant interpretation guidelines (Richards et al. 2015 PMID: 25741868, with internal and published modifications).

NM_182931.3(KMT2E):c.21G>A (p.Leu7=)

Gene: KMT2E (lysine methyltransferase 2E (inactive); plus strand). Cytogenetic location: 7q22.3.
Variant type: single nucleotide variant.
Coding change: c.21G>A on transcript NM_182931.3 (MANE Select); coding-DNA position 21, G replaced by A.
Protein change: p.Leu7=; no amino-acid change (leucine 7 retained).
Molecular consequence: synonymous variant.
Genome position (GRCh38, 1-based): chr7:105,040,973, G>A. VCF-style: chr7-105040973-G-A. GRCh37 (hg19) VCF-style: chr7-104681420-G-A.
Other names: c.21G>A, p.Leu7= (NM_001410908.1, NM_018682.4); c.21G>A (NM_182931.2).
Identifiers: ClinVar variation 2150692 (VCV002150692.6), dbSNP rs773324013, ClinGen allele CA4423556.
Genomic context (GRCh38, chr7:105,040,973, plus strand): 5'-TAGGACTCCATAGTAATCGAATTTACCAGAGGCGAACGTCATGAGCATAGTGATCCCATT[G>A]GGGGTTGATACAGCAGAGACGTCATACTTGGAAATGGCTGCAGGTTCAGAGTAAGTATTT-3'
Protein context (NP_891847.1, residues 1-17): MSIVIP[Leu7=]GVDTAETSYL